The following is an entry in ClinVar:

NM_000516.7(GNAS):c.408del (p.Asn136fs)

Gene: GNAS (GNAS complex locus; plus strand). Cytogenetic location: 20q13.32.
Variant type: Deletion.
Coding change: c.408del on transcript NM_000516.7 (MANE Select); coding-DNA position 408, one base deleted (C; older notation c.408delC).
Protein change: p.Asn136fs; shifts the reading frame from asparagine 136.
Molecular consequence: frameshift variant. On other transcripts: 3 prime UTR variant (2).
Genome position (GRCh38, 1-based): chr20:58,903,767, C deleted. VCF-style (leftmost placement, unchanged base first): chr20-58903766-AC-A. GRCh37 (hg19) VCF-style: chr20-57478821-AC-A.
Other names: c.411del, p.Asn137fs (NM_001077488.5); c.363del, p.Asn121fs (NM_001077489.4); c.*269del (NM_001077490.3); c.231del, p.Asn77fs (NM_001309840.2, NM_001309861.2); c.312del, p.Asn104fs (NM_001410912.1); c.2292del, p.Asn764fs (NM_001410913.1); c.*314del (NM_016592.5); c.2337del, p.Asn779fs (NM_080425.4); and 1 more; short protein forms N77fs, N122fs, N137fs, N136fs, N764fs, N779fs, N104fs, N121fs.
Identifiers: ClinVar variation 2700430 (VCV002700430.3), dbSNP rs2517085308, ClinGen allele CA2697547432.
Genomic context (GRCh38, chr20:58,903,766, plus strand): 5'-CCGTGGAGCTGGCCAACCCCGAGAACCAGTTCAGAGTGGACTACATCCTGAGTGTGATGA[AC>A]GTGCCTGACTTTGACTTCCCTCCCGTAAGCTACACCCCGACTTGTGTGGCCTTAGCCCCG-3'

ClinVar aggregate classification (germline): Pathogenic (1 of 4 stars; one submission).

Submission:

Labcorp Genetics (formerly Invitae), Labcorp
Classification: Pathogenic. Last evaluated: 2023-12-02. Review status: criteria provided, single submitter. Criteria: Invitae Variant Classification Sherloc (09022015). Collection method: clinical testing. Allele origin: germline.
Comment: This sequence change creates a premature translational stop signal (p.Asn136Lysfs*36) in the GNAS gene. It is expected to result in an absent or disrupted protein product. Loss-of-function variants in GNAS are known to be pathogenic (PMID: 11784876, 23281139, 23796510, 25802881). This variant is not present in population databases (gnomAD no frequency). This variant has not been reported in the literature in individuals affected with GNAS-related conditions. For these reasons, this variant has been classified as Pathogenic.

Literature cited by the submitters: PubMed 11784876; PubMed 23281139; PubMed 23796510; PubMed 25802881.